The following is an entry in ClinVar:

NM_006946.4(SPTBN2):c.2002G>C (p.Asp668His)

Gene: SPTBN2 (spectrin beta, non-erythrocytic 2; minus strand). Cytogenetic location: 11q13.2.
Variant type: single nucleotide variant.
Coding change: c.2002G>C on transcript NM_006946.4 (MANE Select); coding-DNA position 2002, G replaced by C.
Protein change: p.Asp668His; replaces aspartic acid 668 with histidine.
Molecular consequence: missense variant.
Genome position (GRCh38, 1-based): chr11:66,705,274, C>G on the plus strand (G>C on the coding strand, the complement: SPTBN2 is on the minus strand). VCF-style: chr11-66705274-C-G. GRCh37 (hg19) VCF-style: chr11-66472745-C-G.
Other names: c.2023G>C, p.Asp675His (NM_001411025.1); c.2002G>C, p.Asp668His (NM_001437541.1); short protein forms D675H, D668H.
Identifiers: ClinVar variation 5008900 (VCV005008900.1).

ClinVar aggregate classification (germline): Uncertain significance (1 of 4 stars; one submission).

Submission:

GeneDx
Classification: Uncertain significance. Last evaluated: 2026-03-13. Review status: criteria provided, single submitter. Criteria: GeneDx Variant Classification Process June 2021. Collection method: clinical testing. Allele origin: germline.
Comment: Not observed at significant frequency in large population cohorts (gnomAD); In silico analysis supports that this missense variant has a deleterious effect on protein structure/function; Has not been previously published as pathogenic or benign to our knowledge